The following is an entry in ClinVar:

ClinVar aggregate classification (germline): Uncertain significance. Review status: criteria provided, multiple submitters, no conflicts (2 of 4 stars). 3 submissions from 3 submitters: Uncertain significance (3). Last evaluated 2025-12-22.

Conditions:
Werner syndrome (WRN). Identifiers: Orphanet 902, MedGen C0043119, MONDO:0010196, OMIM 277700.
Inborn genetic diseases. Identifiers: MedGen C0950123, MeSH D030342.

Allele frequency attached by ClinVar (database versions not stated): TOPMed 0.00001; gnomAD exomes below 0.00001.
gnomAD v4.1: 5 of 1,613,222 alleles (0.00031%); no homozygotes.

Submissions (3):

Ambry Genetics
Classification: Uncertain significance for Inborn genetic diseases. Last evaluated: 2025-12-22. Review status: criteria provided, single submitter. Criteria: Ambry Variant Classification Scheme 2023. Collection method: clinical testing. Allele origin: germline.

Labcorp Genetics (formerly Invitae), Labcorp
Classification: Uncertain significance for Werner syndrome. Last evaluated: 2025-01-23. Review status: criteria provided, single submitter. Criteria: Invitae Variant Classification Sherloc (09022015). Collection method: clinical testing. Allele origin: germline.
Comment: This sequence change replaces proline, which is neutral and non-polar, with leucine, which is neutral and non-polar, at codon 1238 of the WRN protein (p.Pro1238Leu). This variant is present in population databases (no rsID available, gnomAD 0.006%). This variant has not been reported in the literature in individuals affected with WRN-related conditions. ClinVar contains an entry for this variant (Variation ID: 404020). An algorithm developed to predict the effect of missense changes on protein structure and function outputs the following: PolyPhen-2: "Benign". The leucine amino acid residue is found in multiple mammalian species, which suggests that this missense change does not adversely affect protein function. In summary, the available evidence is currently insufficient to determine the role of this variant in disease. Therefore, it has been classified as a Variant of Uncertain Significance.

Fulgent Genetics
Classification: Uncertain significance for Werner syndrome. Last evaluated: 2024-03-17. Review status: criteria provided, single submitter. Criteria: ACMG Guidelines, 2015. Collection method: clinical testing. Allele origin: germline.

NM_000553.6(WRN):c.3713C>T (p.Pro1238Leu)

Gene: WRN (WRN RecQ like helicase; plus strand). Cytogenetic location: 8p12.
Variant type: single nucleotide variant.
Coding change: c.3713C>T on transcript NM_000553.6 (MANE Select); coding-DNA position 3713, C replaced by T.
Protein change: p.Pro1238Leu; replaces proline 1238 with leucine.
Molecular consequence: missense variant.
Genome position (GRCh38, 1-based): chr8:31,154,649, C>T. VCF-style: chr8-31154649-C-T. GRCh37 (hg19) VCF-style: chr8-31012165-C-T.
Other names: short protein forms P1238L.
Identifiers: ClinVar variation 404020 (VCV000404020.9), dbSNP rs1060500070, ClinGen allele CA16612330.